The following is an entry in ClinVar:

NM_144573.4(NEXN):c.1958T>C (p.Met653Thr)

Gene: NEXN (nexilin F-actin binding protein; plus strand). Cytogenetic location: 1p31.1.
Variant type: single nucleotide variant.
Coding change: c.1958T>C on transcript NM_144573.4 (MANE Select); coding-DNA position 1958, T replaced by C.
Protein change: p.Met653Thr; replaces methionine 653 with threonine.
Molecular consequence: missense variant.
Genome position (GRCh38, 1-based): chr1:77,942,759, T>C. VCF-style: chr1-77942759-T-C. GRCh37 (hg19) VCF-style: chr1-78408444-T-C.
Other names: c.1766T>C, p.Met589Thr (NM_001172309.2); short protein forms M589T, M653T.
Identifiers: ClinVar variation 1783359 (VCV001783359.4), dbSNP rs752936710, ClinGen allele CA919012.
Genomic context (GRCh38, chr1:77,942,759, plus strand): 5'-GGGGAGAAACTTACTGCCTTTACTTACCAGAAACTTTCCCAGAAGATGGAGGAGAGTATA[T>C]GTGTAAAGCAGTCAACAATAAAGGATCTGCAGCTAGTACCTGTATTCTTACCATTGAAAG-3'
Protein context (NP_653174.3, residues 643-663): ETFPEDGGEY[Met653Thr]CKAVNNKGSA

ClinVar aggregate classification (germline): Uncertain significance. Review status: criteria provided, multiple submitters, no conflicts (2 of 4 stars). 2 submissions from 2 submitters: Uncertain significance (2). Last evaluated 2025-07-13.

Conditions:
NEXN-related disorder. Also called: NEXN-related condition; NEXN-related disorders.
Cardiovascular phenotype. Identifiers: MedGen CN230736.

Allele frequency attached by ClinVar (database versions not stated): gnomAD exomes 0.00001; ExAC 0.00003; TOPMed 0.00005.
gnomAD v4.1: 6 of 1,613,380 alleles (0.00037%); highest among the groups gnomAD compares: Admixed American, 0.0083%; no homozygotes.

Submissions (2):

Ambry Genetics
Classification: Uncertain significance for Cardiovascular phenotype. Last evaluated: 2025-07-13. Review status: criteria provided, single submitter. Criteria: Ambry Variant Classification Scheme 2023. Collection method: clinical testing. Allele origin: germline.
Comment: The p.M653T variant (also known as c.1958T>C), located in coding exon 12 of the NEXN gene, results from a T to C substitution at nucleotide position 1958. The methionine at codon 653 is replaced by threonine, an amino acid with similar properties. This amino acid position is highly conserved in available vertebrate species. In addition, the in silico prediction for this alteration is inconclusive. Since supporting evidence is limited at this time, the clinical significance of this alteration remains unclear.

PreventionGenetics, part of Exact Sciences
Classification: Uncertain significance for NEXN-related condition. Last evaluated: 2025-04-02. Review status: criteria provided, single submitter. Criteria: ACMG Guidelines, 2015. Collection method: clinical testing. Allele origin: germline.
Comment: The NEXN c.1958T>C variant is predicted to result in the amino acid substitution p.Met653Thr. To our knowledge, this variant has not been reported in the literature. This variant is reported in 0.0085% of alleles in individuals of Latino descent in gnomAD. At this time, the clinical significance of this variant is uncertain due to the absence of conclusive functional and genetic evidence.